The following is an entry in ClinVar:

ClinVar aggregate classification (germline): Uncertain significance (1 of 4 stars; one submission).

Allele frequency attached by ClinVar (database versions not stated): gnomAD exomes below 0.00001; gnomAD 0.00001.
gnomAD v4.1: 2 of 1,562,108 alleles (0.00013%); highest among the groups gnomAD compares: Non-Finnish European, 0.00018%; no homozygotes.

Submission:

Labcorp Genetics (formerly Invitae), Labcorp
Classification: Uncertain significance. Last evaluated: 2022-07-27. Review status: criteria provided, single submitter. Criteria: Invitae Variant Classification Sherloc (09022015). Collection method: clinical testing. Allele origin: germline.
Comment: This sequence change replaces serine, which is neutral and polar, with proline, which is neutral and non-polar, at codon 76 of the LARP7 protein (p.Ser76Pro). This variant is present in population databases (no rsID available, gnomAD 0.007%). This variant has not been reported in the literature in individuals affected with LARP7-related conditions. Algorithms developed to predict the effect of missense changes on protein structure and function are either unavailable or do not agree on the potential impact of this missense change (SIFT: "Deleterious"; PolyPhen-2: "Probably Damaging"; Align-GVGD: "Class C0"). In summary, the available evidence is currently insufficient to determine the role of this variant in disease. Therefore, it has been classified as a Variant of Uncertain Significance.

NM_016648.4(LARP7):c.226T>C (p.Ser76Pro)

Gene: LARP7 (La ribonucleoprotein 7, transcriptional regulator; plus strand). Cytogenetic location: 4q25.
Variant type: single nucleotide variant.
Coding change: c.226T>C on transcript NM_016648.4 (MANE Select); coding-DNA position 226, T replaced by C.
Protein change: p.Ser76Pro; replaces serine 76 with proline.
Molecular consequence: missense variant. On other transcripts: 5 prime UTR variant (2).
Genome position (GRCh38, 1-based): chr4:112,646,374, T>C. VCF-style: chr4-112646374-T-C. GRCh37 (hg19) VCF-style: chr4-113567530-T-C.
Other names: c.226T>C, p.Ser76Pro (NM_001267039.4, NM_001370974.1, NM_001370975.1 and 6 more transcripts); c.-12T>C (NM_001370981.1, NM_001370982.1); short protein forms S76P.
Identifiers: ClinVar variation 1994502 (VCV001994502.4), dbSNP rs1272277010, ClinGen allele CA357921460.
Genomic context (GRCh38, chr4:112,646,374, plus strand): 5'-TGATACACTAACATATTAACTTTTTCATTTTCTTTAGATGTTGATATATCACTACTTGTG[T>C]CTTTTAACAAAATGAAAAAATTGACTACTGATGGGAAGTTAATTGCCAGAGCATTGAGAA-3'
Protein context (NP_057732.2, residues 66-86): DGYVDISLLV[Ser76Pro]FNKMKKLTTD